The following is an entry in ClinVar:

ClinVar aggregate classification (germline): Pathogenic/Likely pathogenic. Review status: criteria provided, multiple submitters, no conflicts (2 of 4 stars). 19 submissions from 16 submitters: Pathogenic (10); Likely pathogenic (1). 8 of the submissions do not count toward it. Last evaluated 2025-08-12.

Conditions:
GLB1-related disorder. Also called: GLB1-related disorders. Identifiers: MedGen CN377807.
GM1 gangliosidosis. Identifiers: Orphanet 354, MedGen C0085131, MONDO:0018149.
Infantile GM1 gangliosidosis. Also called: GM1-gangliosidosis, type I; Gangliosidosis, generalized GM1, infantile form; GLB1 deficiency; Gangliosidosis, Generalized GM1, Type 1; GM1 gangliosidosis type 1. Identifiers: Orphanet 354, Orphanet 79255, MedGen C0268271, MONDO:0009260, OMIM 230500.
Mucopolysaccharidosis, MPS-IV-B (MPS4B). Also called: Mucopolysaccharidosis Type IVB (Morquio B Disease); Mucopolysaccharidosis type IVB (Morquio); MPS IVB; MORQUIO SYNDROME B; Mucopolysaccharidosis type 4B; Mucopolysaccharidosis type IV B. Identifiers: Orphanet 309310, Orphanet 582, MedGen C0086652, MONDO:0009660, OMIM 253010.
GM1 gangliosidosis type 3. Also called: GM1-GANGLIOSIDOSIS, TYPE III; GANGLIOSIDOSIS, GENERALIZED GM1, ADULT TYPE; GANGLIOSIDOSIS, GENERALIZED GM1, CHRONIC TYPE; GANGLIOSIDOSIS, GENERALIZED GM1, TYPE III; Gangliosidosis, Generalized GM1, Type 3; Beta-galactosidase deficiency. Identifiers: Orphanet 79257, MedGen C0268273, MONDO:0009262, OMIM 230650.
GM1 gangliosidosis type 2. Also called: GM1-GANGLIOSIDOSIS, TYPE II; Juvenile GM>1< gangliosidosis; GANGLIOSIDOSIS, GENERALIZED GM1, JUVENILE TYPE; GANGLIOSIDOSIS, GENERALIZED GM1, TYPE II; Gangliosidosis, Generalized GM1, Type 2. Identifiers: Orphanet 354, Orphanet 79256, MedGen C0268272, MONDO:0009261, OMIM 230600.

Allele frequency attached by ClinVar (database versions not stated): ExAC 0.00003; gnomAD exomes 0.00004 and 0.00007; gnomAD 0.00006 and 0.00009; TOPMed 0.00010.
gnomAD v4.1: 118 of 1,614,140 alleles (0.0073%); highest among the groups gnomAD compares: Middle Eastern, 0.016%; no homozygotes.

Submissions 1 to 9 of 19:

Natera, Inc.
Classification: Pathogenic for Mucopolysaccharidosis, MPS-IV-B. Last evaluated: 2025-08-12. Review status: criteria provided, single submitter. Criteria: Natera Variant Classification Schema (03/2026). Collection method: clinical testing. Allele origin: germline.
Comment: The c.601C>T variant in GLB1 is a missense variant predicted to cause substitution of arginine to cysteine at amino acid 201. This variant is rare in the general population with a frequency below the threshold expected for the associated phenotype(s). This variant has been observed in one or more individuals affected with the associated recessive disease, as either homozygous or compound heterozygous with a second variant (PMID: 25443580, 31367523). Given the available evidence, this variant is classified as Pathogenic.

GeneDx
Classification: Pathogenic. Last evaluated: 2025-08-07. Review status: criteria provided, single submitter. Criteria: GeneDx Variant Classification Process June 2021. Collection method: clinical testing. Allele origin: germline. Affected: yes.
Comment: Functional studies found that R201C is associated with approximately 3-12% residual beta-galactosidase activity (PMID: 12644936, 1907800, 19472408); In silico analysis supports that this missense variant has a deleterious effect on protein structure/function; Not observed at significant frequency in large population cohorts (gnomAD); This variant is associated with the following publications: (PMID: 20409738, 20826101, 24156116, 16626397, 10737981, 16617000, 16538002, 17994547, 18937943, 15744523, 21504867, 8068159, 28716012, 29439846, 8112731, 33737400, 15943552, 22436580, 11511921, 22033734, 21144509, 20175788, 25600812, 23151865, 17664528, 18202827, 16763919, 25443580, 24024947, 23337983, 21520340, 19472408, 22784478, 21517827, 25151393, 18546276, 16314480, 23820649, 14676316, 19812739, 1928092, 25925601, 28554332, 30581635, 25557439, 26646981, 1909089, 33859490, 35029890, 34816592, 33980489, 12644936, 1907800, 38019733, 37381921, 9203065)

Labcorp Genetics (formerly Invitae), Labcorp
Classification: Pathogenic for Mucopolysaccharidosis, MPS-IV-B; GM1 gangliosidosis. Last evaluated: 2024-11-22. Review status: criteria provided, single submitter. Criteria: Invitae Variant Classification Sherloc (09022015). Collection method: clinical testing. Allele origin: germline.
Comment: This sequence change replaces arginine, which is basic and polar, with cysteine, which is neutral and slightly polar, at codon 201 of the GLB1 protein (p.Arg201Cys). This variant is present in population databases (rs72555360, gnomAD 0.009%). This missense change has been observed in individual(s) with GLB1-related conditions (PMID: 1907800, 25443580, 28554332, 28716012, 29439846). ClinVar contains an entry for this variant (Variation ID: 925). Invitae Evidence Modeling of protein sequence and biophysical properties (such as structural, functional, and spatial information, amino acid conservation, physicochemical variation, residue mobility, and thermodynamic stability) indicates that this missense variant is expected to disrupt GLB1 protein function with a positive predictive value of 95%. Experimental studies have shown that this missense change affects GLB1 function (PMID: 16617000). This variant disrupts the p.Arg201 amino acid residue in GLB1. Other variant(s) that disrupt this residue have been determined to be pathogenic (PMID: 9203065, 11511921, 17309651, 20175788, 23430499). This suggests that this residue is clinically significant, and that variants that disrupt this residue are likely to be disease-causing. For these reasons, this variant has been classified as Pathogenic.

Fulgent Genetics
Classification: Pathogenic for Infantile GM1 gangliosidosis; GM1 gangliosidosis type 2; GM1 gangliosidosis type 3; Mucopolysaccharidosis, MPS-IV-B. Last evaluated: 2024-05-15. Review status: criteria provided, single submitter. Criteria: ACMG Guidelines, 2015. Collection method: clinical testing. Allele origin: germline.

Genetics and Genomic Medicine Centre, NeuroGen Healthcare, NeuroGen Healthcare
Classification: Pathogenic for GM1 gangliosidosis type 2. Last evaluated: 2024-04-30. Review status: criteria provided, single submitter. Criteria: ACMG Guidelines, 2015. Collection method: clinical testing. Allele origin: unknown. Affected: yes.

Blueprint Genetics
Classification: Pathogenic for GLB1-related disorders. Last evaluated: 2023-09-06. Review status: criteria provided, single submitter. Criteria: ACMG Guidelines, 2015. Collection method: clinical testing. Allele origin: germline. Affected: yes. Observed: 5 variant alleles.

3billion
Classification: Pathogenic for GM1 gangliosidosis type 2. Last evaluated: 2023-06-30. Review status: criteria provided, single submitter. Criteria: ACMG Guidelines, 2015. Collection method: clinical testing. Allele origin: germline. Affected: yes.
Comment: The variant is observed at an extremely low frequency in the gnomAD v2.1.1 dataset (total allele frequency: 0.004%). Predicted Consequence/Location: Missense variant In silico tool predictions suggest damaging effect of the variant on gene or gene product (REVEL: 0.95; 3Cnet: 0.89). Same nucleotide change resulting in same amino acid change has been previously reported as pathogenic/likely pathogenic with strong evidence (ClinVar ID: VCV000000925 /PMID: 1907800). A different missense change at the same codon (p.Arg201His) has been reported as pathogenic/likely pathogenic with strong evidence (ClinVar ID: VCV000198077). Therefore, this variant is classified as Pathogenic according to the recommendation of ACMG/AMP guideline.

Genomic Research Center, Shahid Beheshti University of Medical Sciences
Classification: Pathogenic for Infantile GM1 gangliosidosis. Last evaluated: 2017-12-18. Review status: criteria provided, single submitter. Criteria: ACMG Guidelines, 2015. Collection method: clinical testing. Allele origin: inherited. Affected: yes.

Illumina Laboratory Services, Illumina
Classification: Likely pathogenic for GM1 gangliosidosis. Last evaluated: 2017-04-28. Review status: criteria provided, single submitter. Criteria: ICSL Variant Classification Criteria 09 May 2019. Collection method: clinical testing. Allele origin: germline.
Comment: The GLB1 c.601C>T (p.Arg201Cys) missense variant has been reported in four studies in which it is found in a total of eight individuals with GM1 gangliosidosis including in one in a homozygous state, in three in a compound heterozygous state, and in four in a heterozygous state where a second variant was not identified (Yoshida et al. 1991; Nishimoto et al 1991; Caciotti et al 2003; Takenouchi et al 2015). Control data are unavailable for this variant, which is reported at a frequency of 0.00005 in the European (non-Finnish) population of the Exome Aggregation Consortium. Caciotti et al. (2003) investigated the functional impact of GLB1 variants through expression studies in COS-1 cells and demonstrated that the p.Arg201Cys variant resulted in 12.9% of wild type activity. Based on the evidence, the p.Arg201Cys variant is classified as likely pathogenic for GM1 gangliosidosis. This variant was observed by ICSL as part of a predisposition screen in an ostensibly healthy population.

NM_000404.4(GLB1):c.601C>T (p.Arg201Cys)

Gene: GLB1 (galactosidase beta 1; minus strand). Cytogenetic location: 3p22.3.
Variant type: single nucleotide variant.
Coding change: c.601C>T on transcript NM_000404.4 (MANE Select); coding-DNA position 601, C replaced by T.
Protein change: p.Arg201Cys; replaces arginine 201 with cysteine.
Molecular consequence: missense variant. On other transcripts: intron variant (1).
Genome position (GRCh38, 1-based): chr3:33,058,221, G>A on the plus strand (C>T on the coding strand, the complement: GLB1 is on the minus strand). VCF-style: chr3-33058221-G-A. GRCh37 (hg19) VCF-style: chr3-33099713-G-A.
Other names: c.511C>T, p.Arg171Cys (NM_001079811.3); c.745C>T, p.Arg249Cys (NM_001317040.2); c.601C>T, p.Arg201Cys (NM_001393580.1); c.341-4672C>T (NM_001135602.3); short protein forms R201C, R249C, R171C.
Identifiers: ClinVar variation 925 (VCV000000925.33), dbSNP rs72555360, ClinGen allele CA114632.
Genomic context (GRCh38, chr3:33,058,221, plus strand): 5'-CAGTGGTAAACAGAACCACATCATCCCCCAGATGGTGGCGAAAGCGCTTCTGCAGGAAGC[G>A]CAGGTAGTCAAAATCACAGGCAAAGTAGCTGCCATATTCATTTTCAACCTGTGAGTGAAA-3'
Protein context (NP_000395.3, residues 191-211): SYFACDFDYL[Arg201Cys]FLQKRFRHHL